The following is an entry in ClinVar:

ClinVar aggregate classification (germline): Uncertain significance. Review status: criteria provided, multiple submitters, no conflicts (2 of 4 stars). 2 submissions from 2 submitters: Uncertain significance (2). Last evaluated 2024-11-06.

Conditions:
Hereditary cancer-predisposing syndrome. Also called: Neoplastic Syndromes, Hereditary; Tumor predisposition; Hereditary neoplastic syndrome; Hereditary Cancer Syndrome. Identifiers: Orphanet 140162, MedGen C0027672, MeSH D009386, MONDO:0015356.
DICER1-related tumor predisposition. Also called: DICER1 syndrome; DICER1-related pleuropulmonary blastoma cancer predisposition syndrome. Identifiers: Orphanet 284343, MedGen C3839822, MONDO:0100216.

Allele frequency attached by ClinVar (database versions not stated): gnomAD exomes below 0.00001.
gnomAD v4.1: 1 of 1,480,750 alleles (0.000068%); highest among the groups gnomAD compares: Non-Finnish European, 0.000094%; no homozygotes.

Submissions (2):

Ambry Genetics
Classification: Uncertain significance for Hereditary cancer-predisposing syndrome. Last evaluated: 2024-11-06. Review status: criteria provided, single submitter. Criteria: Ambry Variant Classification Scheme 2023. Collection method: clinical testing. Allele origin: germline.
Comment: The c.903+5G>A intronic variant results from a G to A substitution 5 nucleotides after coding exon 6 in the DICER1 gene. This nucleotide position is well conserved in available vertebrate species. In silico splice site analysis predicts that this alteration may result in the creation or strengthening of a novel splice donor site; however, direct evidence is insufficient at this time (Ambry internal data). Since supporting evidence is limited at this time, the clinical significance of this alteration remains unclear.

Labcorp Genetics (formerly Invitae), Labcorp
Classification: Uncertain significance for DICER1-related tumor predisposition. Last evaluated: 2024-07-22. Review status: criteria provided, single submitter. Criteria: Invitae Variant Classification Sherloc (09022015). Collection method: clinical testing. Allele origin: germline.
Comment: This sequence change falls in intron 7 of the DICER1 gene. It does not directly change the encoded amino acid sequence of the DICER1 protein. It affects a nucleotide within the consensus splice site. This variant is not present in population databases (gnomAD no frequency). This variant has not been reported in the literature in individuals affected with DICER1-related conditions. ClinVar contains an entry for this variant (Variation ID: 1765540). Variants that disrupt the consensus splice site are a relatively common cause of aberrant splicing (PMID: 17576681, 9536098). Algorithms developed to predict the effect of sequence changes on RNA splicing suggest that this variant is not likely to affect RNA splicing. In summary, the available evidence is currently insufficient to determine the role of this variant in disease. Therefore, it has been classified as a Variant of Uncertain Significance.

Literature cited by the submitters: PubMed 17576681 (cited by Labcorp Genetics (formerly Invitae), Labcorp); PubMed 9536098 (cited by Labcorp Genetics (formerly Invitae), Labcorp).

NM_177438.3(DICER1):c.903+5G>A

Gene: DICER1 (dicer 1, ribonuclease III; minus strand). Cytogenetic location: 14q32.13.
Variant type: single nucleotide variant.
Coding change: c.903+5G>A on transcript NM_177438.3 (MANE Select); 5 bases into the intron after coding-DNA position 903, G replaced by A.
Molecular consequence: intron variant.
Genome position (GRCh38, 1-based): chr14:95,126,575, C>T on the plus strand (G>A on the coding strand, the complement: DICER1 is on the minus strand). VCF-style: chr14-95126575-C-T. GRCh37 (hg19) VCF-style: chr14-95592912-C-T.
Other names: c.903+5G>A (NM_001291628.2, NM_030621.4, NM_001395677.1 and 14 more transcripts); c.498+5G>A (NM_001395690.1, NM_001395687.1, NM_001395689.1 and 3 more transcripts); c.621+5G>A (NM_001395686.1); c.336+5G>A (NM_001395691.1); c.-666+5G>A (NM_001395697.1).
Identifiers: ClinVar variation 1765540 (VCV001765540.8), dbSNP rs2543226955, ClinGen allele CA2580089175.
Genomic context (GRCh38, chr14:95,126,575, plus strand): 5'-TTCAATATTAAAAATTAACAAAGCTTTCAAAATATAATCACTATACCTACTTGGTATATG[C>T]TTACCTGTTTCGAAATTAAAGTAGAATCTCTTTCTTTTGAATGTACAGATATATTACAAT-3'